The following is an entry in ClinVar:

NM_001164508.2(NEB):c.24183_24188dup (p.His8062_Asn8063insLysHis)

Genes: NEB (nebulin; minus strand), RIF1 (replication timing regulatory factor 1; plus strand). Cytogenetic location: 2q23.3.
Variant type: Duplication.
Coding change: c.24183_24188dup on transcript NM_001164508.2 (MANE Select); coding-DNA positions 24183 to 24188, 6 bases duplicated (ACACAA; older notation c.24183_24188dupACACAA).
Protein change: p.His8062_Asn8063insLysHis.
Molecular consequence: inframe insertion. On other transcripts: intron variant (1).
Genome position (GRCh38, 1-based): chr2:151,498,279-151,498,284, TTGTGT duplicated on the plus strand (ACACAA on the coding strand, the reverse complement: NEB is on the minus strand); duplicating any 6 consecutive bases within chr2:151,498,279-151,498,287 gives the same sequence; the c. name uses the placement nearest the transcript's 3' end. VCF-style (leftmost placement, unchanged base first): chr2-151498278-A-ATTGTGT. GRCh37 (hg19) VCF-style: chr2-152354792-A-ATTGTGT.
Other names: c.24183_24188dup, p.His8062_Asn8063insLysHis (NM_001164507.2); c.24288_24293dup, p.His8097_Asn8098insLysHis (NM_001271208.2); c.18826-1916_18826-1911dup (NM_004543.5).
Identifiers: ClinVar variation 5003916 (VCV005003916.1).
Genomic context (GRCh38, chr2:151,498,278, plus strand): 5'-CTGAAGTTAAGTGGCATTTTTTCCCCTTTCTTTCCAAAATACCGAGCTAAGGTTTTCTTG[A>ATTGTGT]TTGTGTTTGACTCTCTGCATCTCAGGAGTGATGGGGATTGGAATTCCTGTCCCCAGGTTT-3'

ClinVar aggregate classification (germline): Uncertain significance (1 of 4 stars; one submission).

Conditions:
Nemaline myopathy 2 (NEM2). Also called: Nemaline myopathy 2, autosomal recessive. Identifiers: MedGen C1850569, MONDO:0009725, OMIM 256030.

Submission:

Myriad Genetics, Inc.
Classification: Uncertain significance for Nemaline myopathy 2. Last evaluated: 2026-04-08. Review status: criteria provided, single submitter. Criteria: Myriad Autosomal Dominant, Autosomal Recessive and X-Linked Classification Criteria (2023). Collection method: clinical testing. Allele origin: unknown.
Comment: NM_001271208.1(NEB):c.24288_24293dup6(K8096_H8097dup) is an in-frame insertion classified as a variant of uncertain significance in the context of NEB-related nemaline myopathy. K8096_H8097dup has not been observed in cases with relevant disease. Relevant functional assessments of this variant are not available in the literature. K8096_H8097dup has not been observed in referenced population frequency databases. In summary, there is insufficient evidence to classify NM_001271208.1(NEB):c.24288_24293dup6(K8096_H8097dup) as pathogenic or benign. Please note: this variant was assessed in the context of healthy population screening.